The following is an entry in ClinVar:

ClinVar aggregate classification (germline): Benign (0 of 4 stars; one submission).

Conditions:
PLXNB1-related disorder. Also called: PLXNB1-related condition.

Allele frequency attached by ClinVar (database versions not stated): gnomAD exomes 0.00700; ExAC 0.02096; gnomAD 0.04495; 1000 Genomes Project 0.04732; 1000 Genomes Project 30x 0.04872; ESP Exome Variant Server 0.05136; TOPMed 0.05203.
gnomAD v4.1: 17,579 of 1,609,122 alleles (1.1%); highest among the groups gnomAD compares: African/African-American, 15%; 986 homozygotes.

Submission:

PreventionGenetics, part of Exact Sciences
Classification: Benign for PLXNB1-related condition. Last evaluated: 2019-10-07. Review status: no assertion criteria provided. Collection method: clinical testing. Allele origin: germline.
Comment: This variant is classified as benign based on ACMG/AMP sequence variant interpretation guidelines (Richards et al. 2015 PMID: 25741868, with internal and published modifications).

NM_001130082.3(PLXNB1):c.1374C>A (p.Thr458=)

Gene: PLXNB1 (plexin B1; minus strand). Cytogenetic location: 3p21.31.
Variant type: single nucleotide variant.
Coding change: c.1374C>A on transcript NM_001130082.3 (MANE Select); coding-DNA position 1374, C replaced by A.
Protein change: p.Thr458=; no amino-acid change (threonine 458 retained).
Molecular consequence: synonymous variant.
Genome position (GRCh38, 1-based): chr3:48,422,376, G>T on the plus strand (C>A on the coding strand, the complement: PLXNB1 is on the minus strand). VCF-style: chr3-48422376-G-T. GRCh37 (hg19) VCF-style: chr3-48463785-G-T.
Other names: c.1374C>A, p.Thr458= (NM_002673.6).
Identifiers: ClinVar variation 3038094 (VCV003038094.2), dbSNP rs61729217, ClinGen allele CA2375128.